The following is an entry in ClinVar:

NM_001267550.2(TTN):c.63010G>A (p.Glu21004Lys)

Genes: TTN (titin; minus strand), TTN-AS1 (TTN antisense RNA 1; plus strand). Cytogenetic location: 2q31.2.
Variant type: single nucleotide variant.
Coding change: c.63010G>A on transcript NM_001267550.2 (MANE Select); coding-DNA position 63010, G replaced by A.
Protein change: p.Glu21004Lys; replaces glutamic acid 21004 with lysine.
Molecular consequence: missense variant.
Genome position (GRCh38, 1-based): chr2:178,588,715, C>T on the plus strand (G>A on the coding strand, the complement: TTN is on the minus strand). VCF-style: chr2-178588715-C-T. GRCh37 (hg19) VCF-style: chr2-179453442-C-T.
Other names: c.58087G>A, p.Glu19363Lys (NM_001256850.1); c.35815G>A, p.Glu11939Lys (NM_003319.4); c.55306G>A, p.Glu18436Lys (NM_133378.4); c.36190G>A, p.Glu12064Lys (NM_133432.3); c.36391G>A, p.Glu12131Lys (NM_133437.4); short protein forms E11939K, E12064K, E12131K, E18436K, E19363K, E21004K.
Identifiers: ClinVar variation 3766013 (VCV003766013.1).

ClinVar aggregate classification (germline): Uncertain significance (1 of 4 stars; one submission).

gnomAD v4.1: 1 of 1,613,198 alleles (0.000062%); highest among the groups gnomAD compares: East Asian, 0.0022%; no homozygotes.

Submission:

GeneDx
Classification: Uncertain significance. Last evaluated: 2024-09-03. Review status: criteria provided, single submitter. Criteria: GeneDx Variant Classification Process June 2021. Collection method: clinical testing. Allele origin: germline. Affected: yes.
Comment: Not observed at significant frequency in large population cohorts (gnomAD); Missense variant in a gene in which most reported pathogenic variants are truncating/loss of function; Has not been previously published as pathogenic or benign to our knowledge